The following is an entry in ClinVar:

NM_001267550.2(TTN):c.66160+2T>C

Genes: TTN (titin; minus strand), TTN-AS1 (TTN antisense RNA 1; plus strand). Cytogenetic location: 2q31.2.
Variant type: single nucleotide variant.
Coding change: c.66160+2T>C on transcript NM_001267550.2 (MANE Select); the canonical splice donor site of the intron after coding-DNA position 66160, T replaced by C.
Molecular consequence: splice donor variant.
Genome position (GRCh38, 1-based): chr2:178,582,294, A>G on the plus strand (T>C on the coding strand, the complement: TTN is on the minus strand). VCF-style: chr2-178582294-A-G. GRCh37 (hg19) VCF-style: chr2-179447021-A-G.
Other names: c.38965+2T>C (NM_003319.4); c.39541+2T>C (NM_133437.4); c.39340+2T>C (NM_133432.3); c.58456+2T>C (NM_133378.4); c.61237+2T>C (NM_001256850.1).
Identifiers: ClinVar variation 281845 (VCV000281845.19), dbSNP rs753146898, ClinGen allele CA1991571.

ClinVar aggregate classification (germline): Conflicting classifications of pathogenicity. Review status: criteria provided, conflicting classifications (1 of 4 stars). 6 submissions from 6 submitters: Pathogenic (1); Likely pathogenic (4); Uncertain significance (1). Last evaluated 2026-06-25.

Conditions:
Cardiovascular phenotype. Identifiers: MedGen CN230736.
Dilated cardiomyopathy 1G (CMD1G). Identifiers: Orphanet 154, MedGen C1858763, MONDO:0011400, OMIM 604145.
Autosomal recessive limb-girdle muscular dystrophy type 2J (LGMDR10). Also called: Limb-girdle muscular dystrophy, type 2J; MUSCULAR DYSTROPHY, LIMB-GIRDLE, AUTOSOMAL RECESSIVE 10. Identifiers: Orphanet 140922, MedGen C1837342, MONDO:0012127, OMIM 608807.
Primary familial dilated cardiomyopathy (FDC). Also called: Hypokinetic dilated cardiomyopathy, familial; Familial dilated cardiomyopathy. Identifiers: Orphanet 217607, MedGen C0340427, MONDO:0016333.

Allele frequency attached by ClinVar (database versions not stated): gnomAD 0.00001; TOPMed 0.00001; gnomAD exomes below 0.00001; ExAC 0.00001.
gnomAD v4.1: 1 of 1,581,976 alleles (0.000063%); highest among the groups gnomAD compares: Admixed American, 0.002%; no homozygotes.

Submissions (6):

Ambry Genetics
Classification: Uncertain significance for Cardiovascular phenotype. Last evaluated: 2026-06-25. Review status: criteria provided, single submitter. Criteria: Ambry Variant Classification Scheme 2023. Collection method: clinical testing. Allele origin: germline.
Comment: The c.38965+2T>C intronic variant results from a T to C substitution two nucleotides after coding exon 141 in the TTN gene. Exon 141 is located in the A-band region of the N2-B isoform of the titin protein and is constitutively expressed in TTN transcripts (percent spliced in or PSI 100%). This variant has been identified in conjunction with other TTN variant(s) in individual(s) with features consistent with skeletal myopathy (Rich KA et al. Mol Genet Genomic Med. 2020 Oct;8(10):e1460). Note, this variant is also referred to as c.66160+2T>C in the literature. This variant was reported in individual(s) with features consistent with dilated cardiomyopathy (Ambry internal data). This nucleotide position is highly conserved in available vertebrate species. In silico splice site analysis predicts that this alteration will weaken the native splice donor site. This alteration disrupts the canonical splice site and is expected to cause aberrant splicing. However, although direct evidence is unavailable, this alteration is predicted to result in an in-frame transcript that is not expected to trigger nonsense-mediated mRNA decay. In addition, +2T>C alterations are capable of generating wild-type transcripts in some genomic contexts and should be interpreted with caution (Lin JH et al. Hum Mutat. 2019 10;40:1856-1873). The exact functional effect of the predicted splice impact is unknown. Based on the available evidence, the clinical significance of this variant remains unclear.

Labcorp Genetics (formerly Invitae), Labcorp
Classification: Pathogenic for Dilated cardiomyopathy 1G; Autosomal recessive limb-girdle muscular dystrophy type 2J. Last evaluated: 2025-11-16. Review status: criteria provided, single submitter. Criteria: Invitae Variant Classification Sherloc (09022015). Collection method: clinical testing. Allele origin: germline.
Comment: This sequence change affects a donor splice site in intron 314 of the TTN gene. It is expected to disrupt RNA splicing and likely results in a truncated or disrupted TTN protein. This variant is present in population databases (rs753146898, gnomAD 0.001%). Disruption of this splice site has been observed in individuals with autosomal dominant dilated cardiomyopathy and autosomal recessive limb-girdle muscular dystrophy (PMID: 32815318; internal data). ClinVar contains an entry for this variant (Variation ID: 281845). Algorithms developed to predict the effect of sequence changes on RNA splicing suggest that this variant may disrupt the consensus splice site. This variant is located in the A band of TTN (PMID: 25589632). Truncating variants in this region are significantly overrepresented in patients affected with dilated cardiomyopathy (PMID: 25589632). Truncating variants in this region have also been reported in individuals affected with autosomal recessive centronuclear myopathy (PMID: 23975875). For these reasons, this variant has been classified as Pathogenic.

Variantyx, Inc.
Classification: Likely pathogenic for Dilated cardiomyopathy 1G. Last evaluated: 2025-06-02. Review status: criteria provided, single submitter. Criteria: Variantyx Assertion Criteria 2022. Collection method: clinical testing. Allele origin: germline. Inheritance: Autosomal dominant inheritance. Affected: yes.
Comment: This is a canonical splice variant in the TTN gene (OMIM: 188840). Pathogenic variants in this gene have been associated with autosomal dominant dilated cardiomyopathy 1G. This splicing variant is located in the A-band region of the gene and is expected to result in loss of function, which is a known disease mechanism for TTN in this disorder (PMID:26315439) (PVS1). It has been reported in the heterozygous state in at least one affected individual (Variantyx, internal data), and it has a 0.0066% maximum allele frequency in non-founder control populations (PM2). Based on the current evidence, this variant is classified as likely pathogenic for autosomal dominant dilated cardiomyopathy 1G.

GeneDx
Classification: Likely pathogenic. Last evaluated: 2025-05-02. Review status: criteria provided, single submitter. Criteria: GeneDx Variant Classification Process June 2021. Collection method: clinical testing. Allele origin: germline. Affected: yes.
Comment: Observed with a second TTN variant in a patient in published literature with upper and lower extremity weakness as well as facial weakness (PMID: 32815318); Canonical splice site variant expected to result in aberrant splicing, although in the absence of functional evidence the actual effect of this sequence change is unknown.; Not observed at significant frequency in large population cohorts (gnomAD); This variant is associated with the following publications: (PMID: 32815318)

Women's Health and Genetics/Laboratory Corporation of America, LabCorp
Classification: Likely pathogenic for Primary familial dilated cardiomyopathy. Last evaluated: 2025-04-07. Review status: criteria provided, single submitter. Criteria: LabCorp Variant Classification Summary - May 2015. Collection method: clinical testing. Allele origin: germline.
Comment: Variant summary: TTN c.58456+2T>C, also reported as NM_001267550.2:c.66160+2T>C, is located in a canonical splice-site and is predicted to affect mRNA splicing resulting in a significantly altered protein due to either exon skipping, shortening, or inclusion of intronic material. Variants that disrupt the consensus splice site are a relatively common cause of aberrant splicing and loss of TTN function. Loss of function variants in all TTN bands are strongly associated with a spectrum of autosomal recessive titinopathies when exon expression (proportion spliced in, PSI, 1=complete expression) in skeletal muscle is >0.1 (PMID: 36977548, 39198997, 29598826, 32778822, 29691892, 33449170, 36977548, internal data). In contrast, loss of function variants in all TTN bands are only strongly associated with autosomal dominant TTN-related cardiomyopathies if located in exons constitutively expressed (PSI >0.9) in cardiac muscle, excluding extreme C-terminal exons 359-363 (PMID: 25589632, 31216868, 32964742, 34662387, 27869827, Shetty et al., Nat Cardiovasc Res 2024,, internal data). This variant has a maximum skeletal muscle PSI of 0.920 and a maximum cardiac muscle PSI of 1.000. Several computational tools predict a significant impact on normal splicing: Three predict the variant abolishes a 5' splicing donor site. Two predict the variant creates a 3' acceptor site. However, these predictions have yet to be confirmed by functional studies. The variant allele was found at a frequency of 4.5e-06 in 222704 control chromosomes. c.58456+2T>C has been reported in the presumed heterozygous or presumed compound heterozygous state internally and in the literature in individuals affected with autosomal dominant Dilated Cardiomyopathy or clinical features of autosomal recessive TTN-related conditions (example, Rich_2020, Labcorp Genetics (formerly Invitae)). To our knowledge, no experimental evidence demonstrating an impact on protein function has been reported. The following publications have been ascertained in the context of this evaluation (PMID: 32815318, 30564623). ClinVar contains an entry for this variant (Variation ID: 281845). Based on the evidence outlined above, the variant was classified as likely pathogenic for both autosomal dominant and autosomal recessive TTN-related conditions.

Eurofins Ntd Llc (ga)
Classification: Likely pathogenic. Last evaluated: 2015-07-23. Review status: criteria provided, single submitter. Criteria: EGL Classification Definitions 2015. Collection method: clinical testing. Allele origin: germline. Observed: 1 variant allele, 1 heterozygote.

Literature cited by the submitters: PubMed 32815318 (cited by 3 submitters); PubMed 25589632 (cited by Labcorp Genetics (formerly Invitae), Labcorp); PubMed 23975875 (cited by Labcorp Genetics (formerly Invitae), Labcorp); PubMed 26315439 (cited by Variantyx, Inc.).